The following is an entry in ClinVar:

NM_003709.4(KLF7):c.422C>A (p.Ser141Tyr)

Gene: KLF7 (KLF transcription factor 7; minus strand). Cytogenetic location: 2q33.3.
Variant type: single nucleotide variant.
Coding change: c.422C>A on transcript NM_003709.4 (MANE Select); coding-DNA position 422, C replaced by A.
Protein change: p.Ser141Tyr; replaces serine 141 with tyrosine.
Molecular consequence: missense variant.
Genome position (GRCh38, 1-based): chr2:207,124,085, G>T on the plus strand (C>A on the coding strand, the complement: KLF7 is on the minus strand). VCF-style: chr2-207124085-G-T. GRCh37 (hg19) VCF-style: chr2-207988809-G-T.
Other names: c.422C>A, p.Ser141Tyr (NM_001270942.1); c.323C>A, p.Ser108Tyr (NM_001270943.2); c.338C>A, p.Ser113Tyr (NM_001270944.2); short protein forms S108Y, S113Y, S141Y.
Identifiers: ClinVar variation 3373610 (VCV003373610.1).
Genomic context (GRCh38, chr2:207,124,085, plus strand): 5'-GTGCCATCCACGGCAGAGAGAGTTTGTGAGGTTTTGACCAGATGGCGGCTGAGCTCAGGG[G>T]ACGATGGGGGCGTTAATGAGGTCACTGCGTTGAGCTGGGCCTGGTTGACGGCTGTGTAGC-3'
Protein context (NP_003700.1, residues 131-151): NAVTSLTPPS[Ser141Tyr]PELSRHLVKT

ClinVar aggregate classification (germline): Uncertain significance (1 of 4 stars; one submission).

Submission:

GeneDx
Classification: Uncertain significance. Last evaluated: 2024-03-11. Review status: criteria provided, single submitter. Criteria: GeneDx Variant Classification Process June 2021. Collection method: clinical testing. Allele origin: germline. Affected: yes.
Comment: Not observed at significant frequency in large population cohorts (gnomAD); In silico analysis supports that this missense variant has a deleterious effect on protein structure/function; Has not been previously published as pathogenic or benign to our knowledge